The following is an entry in ClinVar:

NM_012388.4(BLOC1S6):c.350A>G (p.Asn117Ser)

Gene: BLOC1S6 (biogenesis of lysosomal organelles complex 1 subunit 6; plus strand). Cytogenetic location: 15q21.1.
Variant type: single nucleotide variant.
Coding change: c.350A>G on transcript NM_012388.4 (MANE Select); coding-DNA position 350, A replaced by G.
Protein change: p.Asn117Ser; replaces asparagine 117 with serine.
Molecular consequence: missense variant. On other transcripts: 3 prime UTR variant (1), non-coding transcript variant (9).
Genome position (GRCh38, 1-based): chr15:45,605,465, A>G. VCF-style: chr15-45605465-A-G. GRCh37 (hg19) VCF-style: chr15-45897663-A-G.
Other names: c.365A>G, p.Asn122Ser (NM_001311255.1); c.*1A>G (NM_001311256.1); short protein forms N117S, N122S.
Identifiers: ClinVar variation 1388140 (VCV001388140.8), dbSNP rs1230644464, ClinGen allele CA392300610.

ClinVar aggregate classification (germline): Uncertain significance (1 of 4 stars; one submission).

Conditions:
Hermansky-Pudlak syndrome 9 (HPS9). Identifiers: Orphanet 280663, Orphanet 79430, MedGen C3280026, MONDO:0013606, OMIM 614171.

Allele frequency attached by ClinVar (database versions not stated): TOPMed below 0.00001; gnomAD 0.00001.

Submission:

Labcorp Genetics (formerly Invitae), Labcorp
Classification: Uncertain significance for Hermansky-Pudlak syndrome 9. Last evaluated: 2021-04-16. Review status: criteria provided, single submitter. Criteria: Invitae Variant Classification Sherloc (09022015). Collection method: clinical testing. Allele origin: germline.
Comment: This sequence change replaces asparagine with serine at codon 117 of the BLOC1S6 protein (p.Asn117Ser). The asparagine residue is highly conserved and there is a small physicochemical difference between asparagine and serine. In summary, the available evidence is currently insufficient to determine the role of this variant in disease. Therefore, it has been classified as a Variant of Uncertain Significance. Algorithms developed to predict the effect of sequence changes on RNA splicing suggest that this variant may create or strengthen a splice site, but this prediction has not been confirmed by published transcriptional studies. Algorithms developed to predict the effect of missense changes on protein structure and function output the following: SIFT: "Tolerated"; PolyPhen-2: "Benign"; Align-GVGD: "Class C0". The serine amino acid residue is found in multiple mammalian species, suggesting that this missense change does not adversely affect protein function. These predictions have not been confirmed by published functional studies and their clinical significance is uncertain. This variant has not been reported in the literature in individuals with BLOC1S6-related conditions. This variant is not present in population databases (ExAC no frequency).